The following is an entry in ClinVar:

ClinVar aggregate classification (germline): Likely benign. Review status: criteria provided, single submitter (1 of 4 stars). 2 submissions from 2 submitters: Likely benign (1). 1 of the submissions does not count toward it.

Allele frequency attached by ClinVar (database versions not stated): 1000 Genomes Project 0.02556; 1000 Genomes Project 30x 0.02764; ExAC 0.04403; gnomAD 0.04535 and 0.04649; TOPMed 0.04549; gnomAD exomes 0.04590; ESP Exome Variant Server 0.04729.

Submissions (2):

Breakthrough Genomics
Classification: Likely benign. Review status: criteria provided, single submitter. Criteria: ACMG Guidelines, 2015. Collection method: not provided. Allele origin: germline. Inheritance: Autosomal recessive inheritance. Affected: yes.

Genetic Services Laboratory, University of Chicago
Classification: Likely benign for AllHighlyPenetrant. Review status: no assertion criteria provided. Collection method: clinical testing. Allele origin: germline. Inheritance: Autosomal recessive inheritance. Not counted in ClinVar's aggregate classification.
Comment: Likely benign based on allele frequency in 1000 Genomes Project or ESP global frequency and its presence in a patient with a rare or unrelated disease phenotype. NOT Sanger confirmed.

NM_003619.4(PRSS12):c.2498G>A (p.Arg833Gln)

Gene: PRSS12 (serine protease 12; minus strand). Cytogenetic location: 4q26.
Variant type: single nucleotide variant.
Coding change: c.2498G>A on transcript NM_003619.4 (MANE Select); coding-DNA position 2498, G replaced by A.
Protein change: p.Arg833Gln; replaces arginine 833 with glutamine.
Molecular consequence: missense variant.
Genome position (GRCh38, 1-based): chr4:118,282,066, C>T on the plus strand (G>A on the coding strand, the complement: PRSS12 is on the minus strand). VCF-style: chr4-118282066-C-T. GRCh37 (hg19) VCF-style: chr4-119203221-C-T.
Other names: short protein forms R833Q.
Identifiers: ClinVar variation 130047 (VCV000130047.10), dbSNP rs17594503, ClinGen allele CA154793.